The following is an entry in ClinVar:

NC_000004.12:g.80184069G>T

Gene: PRDM8-AS1 (PRDM8 antisense RNA 1; minus strand). Cytogenetic location: 4q21.21.
Variant type: single nucleotide variant.
Genome position: GRCh38 VCF-style: chr4-80184069-G-T. GRCh37 (hg19) VCF-style: chr4-81105223-G-T.
Identifiers: ClinVar variation 3256813 (VCV003256813.2).

ClinVar aggregate classification (germline): Benign (1 of 4 stars; one submission).

Submission:

Unidad de Genómica Garrahan, Hospital de Pediatría Garrahan
Classification: Benign. Last evaluated: 2024-07-31. Review status: criteria provided, single submitter. Criteria: ACMG Guidelines, 2015. Collection method: clinical testing. Allele origin: germline. Affected: no. Observed: 34 variant alleles.
Comment: This variant is classified as Benign based on local population frequency. This variant was detected in 37% of patients studied in a panel designed for Epileptic and Developmental Encephalopathy, Progressive Myoclonus Epilepsy and Abnormal Movements and Neurodegeneration with brain iron accumulation. Number of patients: 34. Only high quality variants are reported.